The following is an entry in ClinVar:

NM_005245.4(FAT1):c.12140C>A (p.Thr4047Asn)

Gene: FAT1 (FAT atypical cadherin 1; minus strand). Cytogenetic location: 4q35.2.
Variant type: single nucleotide variant.
Coding change: c.12140C>A on transcript NM_005245.4 (MANE Select); coding-DNA position 12140, C replaced by A.
Protein change: p.Thr4047Asn; replaces threonine 4047 with asparagine.
Molecular consequence: missense variant.
Genome position (GRCh38, 1-based): chr4:186,598,089, G>T on the plus strand (C>A on the coding strand, the complement: FAT1 is on the minus strand). VCF-style: chr4-186598089-G-T. GRCh37 (hg19) VCF-style: chr4-187519243-G-T.
Other names: short protein forms T4047N.
Identifiers: ClinVar variation 1310749 (VCV001310749.2), dbSNP rs1738621701, ClinGen allele CA358969587.

ClinVar aggregate classification (germline): Uncertain significance (1 of 4 stars; one submission).

Allele frequency attached by ClinVar (database versions not stated): TOPMed below 0.00001; gnomAD 0.00001.
gnomAD v4.1: 1 of 1,613,600 alleles (0.000062%); highest among the groups gnomAD compares: African/African-American, 0.0013%; no homozygotes.

Submission:

GeneDx
Classification: Uncertain significance. Last evaluated: 2020-01-06. Review status: criteria provided, single submitter. Criteria: GeneDx Variant Classification Process June 2021. Collection method: clinical testing. Allele origin: germline. Affected: yes.
Comment: Not observed in large population cohorts (Lek et al., 2016); In silico analysis, which includes protein predictors and evolutionary conservation, supports that this variant does not alter protein structure/function